The following is an entry in ClinVar:

ClinVar aggregate classification (germline): Uncertain significance (1 of 4 stars; one submission).

Conditions:
Duchenne muscular dystrophy (DMD). Also called: MUSCULAR DYSTROPHY, PSEUDOHYPERTROPHIC PROGRESSIVE, DUCHENNE TYPE; Duchenne Muscular Dystrophy (DMD). Identifiers: Orphanet 98896, MedGen C0013264, MONDO:0010679, OMIM 310200.

gnomAD v4.1: 1 of 1,199,350 alleles (0.000083%); highest among the groups gnomAD compares: Non-Finnish European, 0.00011%; no homozygotes.

Submission:

Labcorp Genetics (formerly Invitae), Labcorp
Classification: Uncertain significance for Duchenne muscular dystrophy. Last evaluated: 2025-07-18. Review status: criteria provided, single submitter. Criteria: Invitae Variant Classification Sherloc (09022015). Collection method: clinical testing. Allele origin: germline.
Comment: This sequence change replaces histidine, which is basic and polar, with leucine, which is neutral and non-polar, at codon 36 of the DMD protein (p.His36Leu). This variant is not present in population databases (gnomAD no frequency). This variant has not been reported in the literature in individuals affected with DMD-related conditions. Invitae Evidence Modeling of protein sequence and biophysical properties (such as structural, functional, and spatial information, amino acid conservation, physicochemical variation, residue mobility, and thermodynamic stability) indicates that this missense variant is not expected to disrupt DMD protein function with a negative predictive value of 95%. In summary, the available evidence is currently insufficient to determine the role of this variant in disease. Therefore, it has been classified as a Variant of Uncertain Significance.

NM_004006.3(DMD):c.107A>T (p.His36Leu)

Gene: DMD (dystrophin; minus strand). Cytogenetic location: Xp21.1.
Variant type: single nucleotide variant.
Coding change: c.107A>T on transcript NM_004006.3 (MANE Select); coding-DNA position 107, A replaced by T.
Protein change: p.His36Leu; replaces histidine 36 with leucine.
Molecular consequence: missense variant. On other transcripts: 5 prime UTR variant (1).
Genome position (GRCh38, 1-based): chrX:32,849,807, T>A on the plus strand (A>T on the coding strand, the complement: DMD is on the minus strand). VCF-style: chrX-32849807-T-A. GRCh37 (hg19) VCF-style: chrX-32867924-T-A.
Other names: c.83A>T, p.His28Leu (NM_000109.4); c.95A>T, p.His32Leu (NM_004009.3); c.-263A>T (NM_004010.3); short protein forms H32L, H28L, H36L.
Identifiers: ClinVar variation 4749575 (VCV004749575.1).